The following is an entry in ClinVar:

ClinVar aggregate classification (germline): Uncertain significance (1 of 4 stars; one submission).

gnomAD v4.1: 3 of 1,608,752 alleles (0.00019%); highest among the groups gnomAD compares: South Asian, 0.0022%; no homozygotes.

Submission:

GeneDx
Classification: Uncertain significance. Last evaluated: 2024-02-26. Review status: criteria provided, single submitter. Criteria: GeneDx Variant Classification Process June 2021. Collection method: clinical testing. Allele origin: germline. Affected: yes.
Comment: In silico analysis supports that this missense variant does not alter protein structure/function; Has not been previously published as pathogenic or benign to our knowledge

NM_001371928.1(AHDC1):c.547C>T (p.Arg183Trp)

Gene: AHDC1 (AT-hook DNA binding motif containing 1; minus strand). Cytogenetic location: 1p36.11.
Variant type: single nucleotide variant.
Coding change: c.547C>T on transcript NM_001371928.1 (MANE Select); coding-DNA position 547, C replaced by T.
Protein change: p.Arg183Trp; replaces arginine 183 with tryptophan.
Molecular consequence: missense variant.
Genome position (GRCh38, 1-based): chr1:27,551,569, G>A on the plus strand (C>T on the coding strand, the complement: AHDC1 is on the minus strand). VCF-style: chr1-27551569-G-A. GRCh37 (hg19) VCF-style: chr1-27878080-G-A.
Other names: c.547C>T, p.Arg183Trp (NM_001029882.3); short protein forms R183W.
Identifiers: ClinVar variation 3369891 (VCV003369891.1).
Genomic context (GRCh38, chr1:27,551,569, plus strand): 5'-CAGGCTCAGGCTCGTAGAGGGGATGGCTGGGCCGCTCCGACTTGGCGTGTGGGGTGGCCC[G>A]CTCCTCAGGGCTACGGATGCTGTTGGCCAAACTGGGTGAGGAGAAGAAGCTGTACTGTAG-3'
Protein context (NP_001358857.1, residues 173-193): LANSIRSPEE[Arg183Trp]ATPHAKSERP